The following is an entry in ClinVar:

ClinVar aggregate classification (germline): Uncertain significance. Review status: criteria provided, multiple submitters, no conflicts (2 of 4 stars). 2 submissions from 2 submitters: Uncertain significance (2). Last evaluated 2026-04-21.

Conditions:
Cohen syndrome (COH1). Also called: Cutis verticis gyrata, retinitis pigmentosa, and sensorineural deafness; PEPPER SYNDROME. Identifiers: Orphanet 193, MedGen C0265223, MONDO:0008999, OMIM 216550.
VPS13B-related disorder. Also called: VPS13B-related condition.

Allele frequency attached by ClinVar (database versions not stated): gnomAD 0.00001.
gnomAD v4.1: 2 of 1,613,960 alleles (0.00012%); highest among the groups gnomAD compares: African/African-American, 0.0027%; no homozygotes.

Submissions (2):

PreventionGenetics, part of Exact Sciences
Classification: Uncertain significance for VPS13B-related condition. Last evaluated: 2026-04-21. Review status: criteria provided, single submitter. Criteria: ACMG Guidelines, 2015. Collection method: clinical testing. Allele origin: germline.
Comment: The VPS13B c.7358C>T variant is predicted to result in the amino acid substitution p.Ser2453Phe. To our knowledge, this variant has not been reported in the literature or in a large population database (gnomAD), indicating this variant is rare. At this time, the clinical significance of this variant is uncertain due to the absence of conclusive functional and genetic evidence.

Labcorp Genetics (formerly Invitae), Labcorp
Classification: Uncertain significance for Cohen syndrome. Last evaluated: 2023-05-15. Review status: criteria provided, single submitter. Criteria: Invitae Variant Classification Sherloc (09022015). Collection method: clinical testing. Allele origin: germline.
Comment: In summary, the available evidence is currently insufficient to determine the role of this variant in disease. Therefore, it has been classified as a Variant of Uncertain Significance. Advanced modeling of protein sequence and biophysical properties (such as structural, functional, and spatial information, amino acid conservation, physicochemical variation, residue mobility, and thermodynamic stability) performed at Invitae indicates that this missense variant is expected to disrupt VPS13B protein function. ClinVar contains an entry for this variant (Variation ID: 1054908). This variant has not been reported in the literature in individuals affected with VPS13B-related conditions. This variant is not present in population databases (gnomAD no frequency). This sequence change replaces serine, which is neutral and polar, with phenylalanine, which is neutral and non-polar, at codon 2478 of the VPS13B protein (p.Ser2478Phe).

NM_152564.5(VPS13B):c.7358C>T (p.Ser2453Phe)

Gene: VPS13B (vacuolar protein sorting 13 homolog B; plus strand). Cytogenetic location: 8q22.2.
Variant type: single nucleotide variant.
Coding change: c.7358C>T on transcript NM_152564.5 (MANE Select); coding-DNA position 7358, C replaced by T.
Protein change: p.Ser2453Phe; replaces serine 2453 with phenylalanine.
Molecular consequence: missense variant.
Genome position (GRCh38, 1-based): chr8:99,776,885, C>T. VCF-style: chr8-99776885-C-T. GRCh37 (hg19) VCF-style: chr8-100789113-C-T.
Other names: c.7358C>T (NM_152564.4); c.7433C>T, p.Ser2478Phe (NM_017890.5); short protein forms S2453F, S2478F.
Identifiers: ClinVar variation 1054908 (VCV001054908.10), dbSNP rs1811766011, ClinGen allele CA371875767.